The following is an entry in ClinVar:

ClinVar aggregate classification (germline): Uncertain significance (1 of 4 stars; one submission).

Submission:

Labcorp Genetics (formerly Invitae), Labcorp
Classification: Uncertain significance. Last evaluated: 2025-08-26. Review status: criteria provided, single submitter. Criteria: Invitae Variant Classification Sherloc (09022015). Collection method: clinical testing. Allele origin: germline.
Comment: This sequence change falls in intron 10 of the SNRNP200 gene. It does not directly change the encoded amino acid sequence of the SNRNP200 protein. It affects a nucleotide within the consensus splice site. This variant is not present in population databases (gnomAD no frequency). This variant has not been reported in the literature in individuals affected with SNRNP200-related conditions. Variants that disrupt the consensus splice site are a relatively common cause of aberrant splicing (PMID: 17576681, 9536098). Algorithms developed to predict the effect of sequence changes on RNA splicing suggest that this variant is not likely to affect RNA splicing. In summary, the available evidence is currently insufficient to determine the role of this variant in disease. Therefore, it has been classified as a Variant of Uncertain Significance.

Literature cited by the submitters: PubMed 17576681; PubMed 9536098.

NM_014014.5(SNRNP200):c.1203+4G>A

Gene: SNRNP200 (small nuclear ribonucleoprotein U5 subunit 200; minus strand). Cytogenetic location: 2q11.2.
Variant type: single nucleotide variant.
Coding change: c.1203+4G>A on transcript NM_014014.5 (MANE Select); 4 bases into the intron after coding-DNA position 1203, G replaced by A.
Molecular consequence: intron variant.
Genome position (GRCh38, 1-based): chr2:96,297,633, C>T on the plus strand (G>A on the coding strand, the complement: SNRNP200 is on the minus strand). VCF-style: chr2-96297633-C-T. GRCh37 (hg19) VCF-style: chr2-96963371-C-T.
Identifiers: ClinVar variation 4771213 (VCV004771213.1).